The following is an entry in ClinVar:

ClinVar aggregate classification (germline): Pathogenic/Likely pathogenic. Review status: criteria provided, multiple submitters, no conflicts (2 of 4 stars). 7 submissions from 7 submitters: Pathogenic (1); Likely pathogenic (6). Last evaluated 2025-07-14.

Conditions:
Hereditary cancer-predisposing syndrome. Also called: Hereditary neoplastic syndrome; Neoplastic Syndromes, Hereditary; Tumor predisposition; Hereditary Cancer Syndrome. Identifiers: Orphanet 140162, MedGen C0027672, MeSH D009386, MONDO:0015356.
Hereditary nonpolyposis colorectal neoplasms. Identifiers: MedGen C0009405, MeSH D003123.
Lynch syndrome 4 (LYNCH4). Also called: Colorectal cancer, hereditary nonpolyposis, type 4; Hereditary non-polyposis colorectal cancer, type 4. Identifiers: Orphanet 144, MedGen C1838333, MONDO:0013699, OMIM 614337. Disease mechanism: loss of function.
Lynch syndrome. Identifiers: Orphanet 144, MedGen C4552100, MONDO:0005835. Disease mechanism: loss of function.

Submissions (7):

Ambry Genetics
Classification: Pathogenic for Hereditary cancer-predisposing syndrome. Last evaluated: 2025-07-14. Review status: criteria provided, single submitter. Criteria: Ambry Variant Classification Scheme 2023. Collection method: clinical testing. Allele origin: germline.
Comment: The c.163+1G>A intronic pathogenic mutation results from a G to A substitution one nucleotide after coding exon 2 of the PMS2 gene. This variant has been identified in probands whose Lynch syndrome-associated tumors demonstrated loss of PMS2 expression by immunohistochemistry and/or high microsatellite instability (Ambry internal data). This variant is considered to be rare based on population cohorts in the Genome Aggregation Database (gnomAD). This nucleotide position is highly conserved in available vertebrate species. In silico splice site analysis predicts that this alteration will weaken the native splice donor site; however, direct evidence is insufficient at this time (Ambry internal data). Alterations that disrupt the canonical splice site are expected to cause aberrant splicing, resulting in an abnormal protein or a transcript that is subject to nonsense-mediated mRNA decay. Based on the supporting evidence, this alteration is interpreted as a disease-causing mutation.

Color Diagnostics, LLC DBA Color Health
Classification: Likely pathogenic for Hereditary cancer-predisposing syndrome. Last evaluated: 2024-10-15. Review status: criteria provided, single submitter. Criteria: ACMG Guidelines, 2015. Collection method: clinical testing. Allele origin: germline.
Comment: This variant causes a G>A nucleotide substitution at the +1 position of intron 2 of the PMS2 gene. Splice site prediction tools predict that this variant may have a significant impact on RNA splicing. Although this prediction has not been confirmed in published RNA studies, this variant is expected to cause out-of-frame exon skipping and result in an absent or disrupted protein product. This variant has been reported in individuals affected with Lynch syndrome-associated disease, who had tumor data showing loss of PMS2 protein via immunohistochemsitry analysis (ClinVar SCV000670798.6). This variant has also been observed in a cohort of individuals affected with ovarian cancer (PMID: 28888541). This variant has not been identified in the general population by the Genome Aggregation Database (gnomAD). Loss of PMS2 function is a known mechanism of disease. Based on the available evidence, this variant is classified as Likely Pathogenic.

All of Us Research Program, National Institutes of Health
Classification: Likely pathogenic for Lynch syndrome. Last evaluated: 2024-08-19. Review status: criteria provided, single submitter. Criteria: ACMG Guidelines, 2015. Collection method: clinical testing. Allele origin: germline. Inheritance: Autosomal dominant inheritance. Observed: 1 variant allele, 1 heterozygote.
Comment: The c.163+1G>A variant in the PMS2 gene is located at the canonical splice site in intron 2 and is predicted to result in donor loss (SpliceAI delta score: 0.97) and an absent or disrupted protein product. Loss-of-function variants in the PMS2 gene are known to be pathogenic (PMID: 28514183, 25512458, 35223509). The variant is reported as pathogenic in ClinVar (ID: 422321). The variant is absent in the general population database (gnomAD). Therefore, the c.163+1G>A variant in the PMS2 gene has been classified as likely pathogenic.

This study involves interpretation of variants in research participants for the purpose of population health screening. Participant phenotype was not available at the time of variant classification. Additional details can be found in publication PMID: 35346344, PMCID: PMC8962531

Labcorp Genetics (formerly Invitae), Labcorp
Classification: Likely pathogenic for Hereditary nonpolyposis colorectal neoplasms. Last evaluated: 2024-04-24. Review status: criteria provided, single submitter. Criteria: Invitae Variant Classification Sherloc (09022015). Collection method: clinical testing. Allele origin: germline.
Comment: This sequence change affects a donor splice site in intron 2 of the PMS2 gene. It is expected to disrupt RNA splicing. Variants that disrupt the donor or acceptor splice site typically lead to a loss of protein function (PMID: 16199547), and loss-of-function variants in PMS2 are known to be pathogenic (PMID: 21376568, 24362816). This variant is not present in population databases (gnomAD no frequency). Disruption of this splice site has been observed in individual(s) with ovarian cancer (PMID: 28888541). ClinVar contains an entry for this variant (Variation ID: 422321). Algorithms developed to predict the effect of sequence changes on RNA splicing suggest that this variant may disrupt the consensus splice site. In summary, the currently available evidence indicates that the variant is pathogenic, but additional data are needed to prove that conclusively. Therefore, this variant has been classified as Likely Pathogenic.

Myriad Genetics, Inc.
Classification: Likely pathogenic for Lynch syndrome 4. Last evaluated: 2023-09-18. Review status: criteria provided, single submitter. Criteria: Myriad Autosomal Dominant, Autosomal Recessive and X-Linked Classification Criteria (2023). Collection method: clinical testing. Allele origin: unknown.
Comment: This variant is considered likely pathogenic. This variant occurs within a consensus splice junction and is predicted to result in abnormal mRNA splicing of either an out-of-frame exon or an in-frame exon necessary for protein stability and/or normal function.

Quest Diagnostics Nichols Institute San Juan Capistrano
Classification: Likely pathogenic. Last evaluated: 2022-10-26. Review status: criteria provided, single submitter. Criteria: Quest Diagnostics criteria. Collection method: clinical testing. Allele origin: unknown.
Comment: This variant disrupts a canonical splice-donor site and is predicted to interfere with normal PMS2 mRNA splicing. This variant has not been reported in large, multi-ethnic general populations. In the published literature, the variant has been reported in an individual with ovarian cancer (PMID: 28888541 (2017)). Based on the available information, this variant is classified as likely pathogenic.

GeneDx
Classification: Likely pathogenic. Last evaluated: 2018-10-23. Review status: criteria provided, single submitter. Criteria: GeneDx Variant Classification (06012015). Collection method: clinical testing. Allele origin: germline. Affected: yes.
Comment: This variant is denoted PMS2 c.163+1G>A or IVS2+1G>A and consists of a G>A nucleotide substitution at the +1 position of intron 2 of the PMS2 gene. This variant destroys a canonical splice donor site and is predicted to cause abnormal gene splicing, leading to either an abnormal message that is subject to nonsense-mediated mRNA decay or to an abnormal protein product. This variant has not, to our knowledge, been published in the literature. Based on currently available evidence, we consider PMS2 c.163+1G>A to be a likely pathogenic variant.

Literature cited by the submitters: PubMed 28888541 (cited by 3 submitters); PubMed 25512458 (cited by All of Us Research Program, National Institutes of Health); PubMed 28514183 (cited by All of Us Research Program, National Institutes of Health); PubMed 35223509 (cited by All of Us Research Program, National Institutes of Health); PubMed 16199547 (cited by Labcorp Genetics (formerly Invitae), Labcorp); PubMed 21376568 (cited by Labcorp Genetics (formerly Invitae), Labcorp); PubMed 24362816 (cited by Labcorp Genetics (formerly Invitae), Labcorp).

NM_000535.7(PMS2):c.163+1G>A

Gene: PMS2 (PMS1 homolog 2, mismatch repair system component; minus strand). Cytogenetic location: 7p22.1.
Variant type: single nucleotide variant.
Coding change: c.163+1G>A on transcript NM_000535.7 (MANE Select); the canonical splice donor site of the intron after coding-DNA position 163, G replaced by A.
Molecular consequence: splice donor variant. On other transcripts: intron variant (7).
Genome position (GRCh38, 1-based): chr7:6,005,891, C>T on the plus strand (G>A on the coding strand, the complement: PMS2 is on the minus strand). VCF-style: chr7-6005891-C-T. GRCh37 (hg19) VCF-style: chr7-6045522-C-T.
Other names: c.-52-1833G>A (NM_001322008.2); c.-218-1833G>A (NM_001406881.1); c.-189-1833G>A (NM_001406895.1); c.-242-1833G>A (NM_001406911.1, NM_001322010.2, NM_001322004.2); c.-321-1833G>A (NM_001406879.1); c.-53+1G>A (NM_001406902.1, NM_001406883.1, NM_001406896.1 and 4 more transcripts); c.-190+1G>A (NM_001406904.1, NM_001406889.1, NM_001406909.1 and 5 more transcripts); c.-243+1G>A (NM_001322013.2, NM_001406905.1, NM_001406906.1 and 10 more transcripts); and 7 more.
Identifiers: ClinVar variation 422321 (VCV000422321.19), dbSNP rs1064795705, ClinGen allele CA16618542.